The following is an entry in ClinVar:

NM_138295.5(PKD1L1):c.3664-5C>G

Gene: PKD1L1 (polycystin 1 like 1, transient receptor potential channel interacting; minus strand). Cytogenetic location: 7p12.3.
Variant type: single nucleotide variant.
Coding change: c.3664-5C>G on transcript NM_138295.5 (MANE Select); 5 bases into the intron before coding-DNA position 3664, C replaced by G.
Molecular consequence: intron variant.
Genome position (GRCh38, 1-based): chr7:47,876,222, G>C on the plus strand (C>G on the coding strand, the complement: PKD1L1 is on the minus strand). VCF-style: chr7-47876222-G-C. GRCh37 (hg19) VCF-style: chr7-47915820-G-C.
Identifiers: ClinVar variation 5001789 (VCV005001789.1).

ClinVar aggregate classification (germline): Likely benign (1 of 4 stars; one submission).

Conditions:
PKD1L1-related disorder. Also called: PKD1L1-related condition.

gnomAD v4.1: 39 of 1,613,648 alleles (0.0024%); highest among the groups gnomAD compares: East Asian, 0.087%; no homozygotes.

Submission:

PreventionGenetics, part of Exact Sciences
Classification: Likely benign for PKD1L1-related condition. Last evaluated: 2026-05-14. Review status: criteria provided, single submitter. Criteria: ACMG Guidelines, 2015. Collection method: clinical testing. Allele origin: germline.
Comment: This variant is classified as likely benign based on ACMG/AMP sequence variant interpretation guidelines (Richards et al. 2015 PMID: 25741868, with internal and published modifications).